The following is an entry in ClinVar:

NM_001040108.2(MLH3):c.1198del (p.Ser400fs)

Gene: MLH3 (mutL homolog 3; minus strand). Cytogenetic location: 14q24.3.
Variant type: Deletion.
Coding change: c.1198del on transcript NM_001040108.2 (MANE Select); coding-DNA position 1198, one base deleted (T; older notation c.1198delT).
Protein change: p.Ser400fs; shifts the reading frame from serine 400.
Molecular consequence: frameshift variant.
Genome position (GRCh38, 1-based): chr14:75,048,458, A deleted on the plus strand (T on the coding strand, the reverse complement: MLH3 is on the minus strand); the first of 2 consecutive A bases (chr14:75,048,458-75,048,459); deleting either gives the same sequence. VCF-style (leftmost placement, unchanged base first): chr14-75048457-GA-G. GRCh37 (hg19) VCF-style: chr14-75515160-GA-G.
Other names: c.1198del, p.Ser400fs (NM_014381.3); c.1198delT (NM_001040108.1); short protein forms S400fs.
Identifiers: ClinVar variation 4860186 (VCV004860186.1).

ClinVar aggregate classification (germline): Uncertain significance (1 of 4 stars; one submission).

Submission:

Ambry Genetics
Classification: Uncertain significance. Last evaluated: 2026-04-28. Review status: criteria provided, single submitter. Criteria: Ambry Variant Classification Scheme 2023. Collection method: clinical testing. Allele origin: germline.
Comment: The c.1198delT variant, located in coding exon 1 of the MLH3 gene, results from a deletion of one nucleotide at nucleotide position 1198, causing a translational frameshift with a predicted alternate stop codon (p.S400Pfs*12). Based on the available evidence, the clinical significance of this variant remains unclear.